The following is an entry in ClinVar:

ClinVar aggregate classification (germline): Uncertain significance (1 of 4 stars; one submission).

Conditions:
Duchenne muscular dystrophy (DMD). Also called: MUSCULAR DYSTROPHY, PSEUDOHYPERTROPHIC PROGRESSIVE, DUCHENNE TYPE; Duchenne Muscular Dystrophy (DMD). Identifiers: Orphanet 98896, MedGen C0013264, MONDO:0010679, OMIM 310200.

Allele frequency attached by ClinVar (database versions not stated): ExAC 0.00001; gnomAD exomes 0.00001.

Submission:

Labcorp Genetics (formerly Invitae), Labcorp
Classification: Uncertain significance for Duchenne muscular dystrophy. Last evaluated: 2021-11-22. Review status: criteria provided, single submitter. Criteria: Invitae Variant Classification Sherloc (09022015). Collection method: clinical testing. Allele origin: germline.
Comment: In summary, the available evidence is currently insufficient to determine the role of this variant in disease. Therefore, it has been classified as a Variant of Uncertain Significance. Algorithms developed to predict the effect of missense changes on protein structure and function output the following: SIFT: "Tolerated"; PolyPhen-2: "Possibly Damaging"; Align-GVGD: "Class C0". The valine amino acid residue is found in multiple mammalian species, which suggests that this missense change does not adversely affect protein function. This variant has not been reported in the literature in individuals affected with DMD-related conditions. This variant is present in population databases (rs759762111, gnomAD 0.005%), including at least one homozygous and/or hemizygous individual. This sequence change replaces alanine, which is neutral and non-polar, with valine, which is neutral and non-polar, at codon 1667 of the DMD protein (p.Ala1667Val).

NM_004006.3(DMD):c.5000C>T (p.Ala1667Val)

Gene: DMD (dystrophin; minus strand). Cytogenetic location: Xp21.1.
Variant type: single nucleotide variant.
Coding change: c.5000C>T on transcript NM_004006.3 (MANE Select); coding-DNA position 5000, C replaced by T.
Protein change: p.Ala1667Val; replaces alanine 1667 with valine.
Molecular consequence: missense variant.
Genome position (GRCh38, 1-based): chrX:32,365,045, G>A on the plus strand (C>T on the coding strand, the complement: DMD is on the minus strand). VCF-style: chrX-32365045-G-A. GRCh37 (hg19) VCF-style: chrX-32383162-G-A.
Other names: c.4976C>T, p.Ala1659Val (NM_000109.4); c.4988C>T, p.Ala1663Val (NM_004009.3); c.4631C>T, p.Ala1544Val (NM_004010.3); c.977C>T, p.Ala326Val (NM_004011.4); c.968C>T, p.Ala323Val (NM_004012.4); short protein forms A323V, A1659V, A1667V, A1544V, A1663V, A326V.
Identifiers: ClinVar variation 1395206 (VCV001395206.7), dbSNP rs759762111, ClinGen allele CA10378810.
Genomic context (GRCh38, chrX:32,365,045, plus strand): 5'-AGAAGGGTGTAAAAGCTTCTAGCCTTTTCTCTTACCAACAAAAGATTTAACCACTCTTCT[G>A]CTCGGGAGGTGACAGCTATCCAGTTACTATTCAGAAGACTGAGTTTATCTTCCACCAACG-3'
Protein context (NP_003997.2, residues 1657-1677): NSNWIAVTSR[Ala1667Val]EEWLNLLLEY